The following is an entry in ClinVar:

NM_000334.4(SCN4A):c.304A>G (p.Ile102Val)

Gene: SCN4A (sodium voltage-gated channel alpha subunit 4; minus strand). Cytogenetic location: 17q23.3.
Variant type: single nucleotide variant.
Coding change: c.304A>G on transcript NM_000334.4 (MANE Select); coding-DNA position 304, A replaced by G.
Protein change: p.Ile102Val; replaces isoleucine 102 with valine.
Molecular consequence: missense variant.
Genome position (GRCh38, 1-based): chr17:63,972,440, T>C on the plus strand (A>G on the coding strand, the complement: SCN4A is on the minus strand). VCF-style: chr17-63972440-T-C. GRCh37 (hg19) VCF-style: chr17-62049800-T-C.
Other names: short protein forms I102V.
Identifiers: ClinVar variation 2648096 (VCV002648096.24), dbSNP rs2509325241, ClinGen allele CA400640029.
Genomic context (GRCh38, chr17:63,972,440, plus strand): 5'-GCCTGACTACGCTGAAGGGGCTCAGCAGGTAGAGAGCAGGTGTGGCGGAGAAGCGGAAGA[T>C]GGCCTTGCCCTTGTTGAGTACGATGAAGGTCTAAGGTGGGAGAGAGGCTGTGAGACCCAG-3'
Protein context (NP_000325.4, residues 92-112): TFIVLNKGKA[Ile102Val]FRFSATPALY

ClinVar aggregate classification (germline): Uncertain significance (1 of 4 stars; one submission).

Allele frequency attached by ClinVar (database versions not stated): gnomAD exomes below 0.00001.
gnomAD v4.1: 1 of 1,613,896 alleles (0.000062%); highest among the groups gnomAD compares: Non-Finnish European, 0.000085%; no homozygotes.

Submission:

CeGaT Center for Human Genetics Tuebingen
Classification: Uncertain significance. Last evaluated: 2023-01-01. Review status: criteria provided, single submitter. Criteria: CeGaT Center For Human Genetics Tuebingen Variant Classification Criteria Version 2. Collection method: clinical testing. Allele origin: germline. Affected: yes. Observed: 1 variant allele.
Comment: SCN4A: PM2